The following is an entry in ClinVar:

NM_001195263.2(PDZD7):c.1500C>A (p.Tyr500Ter)

Gene: PDZD7 (PDZ domain containing 7; minus strand). Cytogenetic location: 10q24.31.
Variant type: single nucleotide variant.
Coding change: c.1500C>A on transcript NM_001195263.2 (MANE Select); coding-DNA position 1500, C replaced by A.
Protein change: p.Tyr500Ter; replaces tyrosine 500 with a stop codon.
Molecular consequence: nonsense. On other transcripts: missense variant (1).
Genome position (GRCh38, 1-based): chr10:101,018,121, G>T on the plus strand (C>A on the coding strand, the complement: PDZD7 is on the minus strand). VCF-style: chr10-101018121-G-T. GRCh37 (hg19) VCF-style: chr10-102777878-G-T.
Other names: c.1528C>A, p.Pro510Thr (NM_001351044.2); c.1500C>A, p.Tyr500Ter (NM_024895.5); short protein forms Y500*, P510T.
Identifiers: ClinVar variation 545401 (VCV000545401.1), dbSNP rs953422571, ClinGen allele CA378227926.

ClinVar aggregate classification (germline): Likely pathogenic. Review status: criteria provided, single submitter (1 of 4 stars). 2 submissions from 2 submitters: Likely pathogenic (1). 1 of the submissions does not count toward it. Last evaluated 2018-10-15.

Conditions:
Hearing loss, autosomal recessive 57. Also called: DEAFNESS, AUTOSOMAL RECESSIVE 57. Identifiers: MedGen C4693893, MONDO:0033201, OMIM 618003.

Submissions (2):

SIB Swiss Institute of Bioinformatics
Classification: Likely pathogenic for Hearing loss, autosomal recessive 57. Last evaluated: 2018-10-15. Review status: criteria provided, single submitter. Criteria: ACMG Guidelines, 2015. Collection method: curation. Allele origin: unknown.
Comment: This variant is interpreted as Likely Pathogenic, for Deafness, autosomal recessive, 57. The following ACMG Tag(s) were applied: PM2 => Absent from controls (or at extremely low frequency if recessive) in Exome Sequencing Project, 1000 Genomes Project, or Exome Aggregation Consortium. PVS1-Strong => PVS1 downgraded in strength to Strong (PubMed 26416264). PP1 => Cosegregation with disease in multiple affected family members in a gene definitively known to cause the disease (PubMed 26416264).

OMIM
Classification: Pathogenic for DEAFNESS, AUTOSOMAL RECESSIVE 57. Last evaluated: 2018-06-01. Review status: no assertion criteria provided. Collection method: literature only. Allele origin: germline. Not counted in ClinVar's aggregate classification.

Literature cited by the submitters: PubMed 26416264 (cited by SIB Swiss Institute of Bioinformatics and OMIM).